The following is an entry in ClinVar:

ClinVar aggregate classification (germline): Conflicting classifications of pathogenicity. Review status: criteria provided, conflicting classifications (1 of 4 stars). 3 submissions from 3 submitters: Uncertain significance (1); Likely benign (2). Last evaluated 2026-04-24.

Conditions:
Inborn genetic diseases. Identifiers: MedGen C0950123, MeSH D030342.

Allele frequency attached by ClinVar (database versions not stated): gnomAD exomes 0.00018 and 0.00034; ExAC 0.00081; ESP Exome Variant Server 0.00085; gnomAD 0.00133 and 0.00140; TOPMed 0.00173; 1000 Genomes Project 30x 0.00219; 1000 Genomes Project 0.00240.

Submissions (3):

Women's Health and Genetics/Laboratory Corporation of America, LabCorp
Classification: Likely benign. Last evaluated: 2026-04-24. Review status: criteria provided, single submitter. Criteria: LabCorp Variant Classification Summary - May 2015. Collection method: clinical testing. Allele origin: germline.
Comment: Variant summary: IGFALS c.1492C>T (p.Pro498Ser) results in a non-conservative amino acid change in the encoded protein sequence. Algorithms developed to predict the effect of missense changes on protein structure and function are either unavailable or do not agree on the potential impact of this missense change. The variant allele was found at a frequency of 0.00034 in 215518 control chromosomes, predominantly at a frequency of 0.0047 within the African or African-American subpopulation in the gnomAD database. The observed variant frequency within African or African-American control individuals in the gnomAD database exceeds the estimated maximal expected allele frequency for disease-causing variants in IGFALS. To our knowledge, no occurrence of c.1492C>T in individuals affected with IGFALS-related conditions and no experimental evidence demonstrating its impact on protein function have been reported. ClinVar contains an entry for this variant (Variation ID: 724110). Based on the evidence outlined above, the variant was classified as likely benign.

Ambry Genetics
Classification: Uncertain significance for Inborn genetic diseases. Last evaluated: 2024-03-28. Review status: criteria provided, single submitter. Criteria: Ambry Variant Classification Scheme 2023. Collection method: clinical testing. Allele origin: germline.

Labcorp Genetics (formerly Invitae), Labcorp
Classification: Likely benign. Last evaluated: 2018-05-31. Review status: criteria provided, single submitter. Criteria: Invitae Variant Classification Sherloc (09022015). Collection method: clinical testing. Allele origin: germline.

NM_004970.3(IGFALS):c.1492C>T (p.Pro498Ser)

Gene: IGFALS (insulin like growth factor binding protein acid labile subunit; minus strand). Cytogenetic location: 16p13.3.
Variant type: single nucleotide variant.
Coding change: c.1492C>T on transcript NM_004970.3 (MANE Select); coding-DNA position 1492, C replaced by T.
Protein change: p.Pro498Ser; replaces proline 498 with serine.
Molecular consequence: missense variant. On other transcripts: non-coding transcript variant (1).
Genome position (GRCh38, 1-based): chr16:1,790,926, G>A on the plus strand (C>T on the coding strand, the complement: IGFALS is on the minus strand). VCF-style: chr16-1790926-G-A. GRCh37 (hg19) VCF-style: chr16-1840927-G-A.
Other names: c.1606C>T, p.Pro536Ser (NM_001146006.2); short protein forms P536S, P498S.
Identifiers: ClinVar variation 724110 (VCV000724110.5), dbSNP rs9282730, ClinGen allele CA7820288.